The following is an entry in ClinVar:

ClinVar aggregate classification (germline): Uncertain significance (1 of 4 stars; one submission).

Conditions:
Autosomal recessive limb-girdle muscular dystrophy type 2J (LGMDR10). Also called: MUSCULAR DYSTROPHY, LIMB-GIRDLE, AUTOSOMAL RECESSIVE 10; Limb-girdle muscular dystrophy, type 2J. Identifiers: Orphanet 140922, MedGen C1837342, MONDO:0012127, OMIM 608807.
Dilated cardiomyopathy 1G (CMD1G). Identifiers: Orphanet 154, MedGen C1858763, MONDO:0011400, OMIM 604145.

Submission:

Labcorp Genetics (formerly Invitae), Labcorp
Classification: Uncertain significance for Dilated cardiomyopathy 1G; Autosomal recessive limb-girdle muscular dystrophy type 2J. Last evaluated: 2025-11-27. Review status: criteria provided, single submitter. Criteria: Invitae Variant Classification Sherloc (09022015). Collection method: clinical testing. Allele origin: germline.
Comment: This sequence change replaces valine, which is neutral and non-polar, with isoleucine, which is neutral and non-polar, at codon 33689 of the TTN protein (p.Val33689Ile). This variant is not present in population databases (gnomAD no frequency). This variant has not been reported in the literature in individuals affected with TTN-related conditions. Experimental studies and prediction algorithms are not available or were not evaluated, and the functional significance of this variant is currently unknown. This variant is located in the M band of TTN (PMID: 25589632). Non-truncating variants in this region may be relevant for neuromuscular disorders, but have not been definitively shown to cause cardiomyopathy (PMID: 23975875). In summary, the available evidence is currently insufficient to determine the role of this variant in disease. Therefore, it has been classified as a Variant of Uncertain Significance.

Literature cited by the submitters: PubMed 25589632; PubMed 23975875.

NM_001267550.2(TTN):c.101065G>A (p.Val33689Ile)

Genes: TTN-AS1 (TTN antisense RNA 1; plus strand), TTN (titin; minus strand). Cytogenetic location: 2q31.2.
Variant type: single nucleotide variant.
Coding change: c.101065G>A on transcript NM_001267550.2 (MANE Select); coding-DNA position 101065, G replaced by A.
Protein change: p.Val33689Ile; replaces valine 33689 with isoleucine.
Molecular consequence: missense variant.
Genome position (GRCh38, 1-based): chr2:178,535,550, C>T on the plus strand (G>A on the coding strand, the complement: TTN is on the minus strand). VCF-style: chr2-178535550-C-T. GRCh37 (hg19) VCF-style: chr2-179400277-C-T.
Other names: c.96142G>A, p.Val32048Ile (NM_001256850.1); c.73870G>A, p.Val24624Ile (NM_003319.4); c.93361G>A, p.Val31121Ile (NM_133378.4); c.74245G>A, p.Val24749Ile (NM_133432.3); c.74446G>A, p.Val24816Ile (NM_133437.4); short protein forms V24749I, V24816I, V31121I, V32048I, V24624I, V33689I.
Identifiers: ClinVar variation 4792885 (VCV004792885.1).